The following is an entry in ClinVar:

NM_206933.4(USH2A):c.9556del (p.Ser3186fs)

Gene: USH2A (usherin; minus strand). Cytogenetic location: 1q41.
Variant type: Deletion.
Coding change: c.9556del on transcript NM_206933.4 (MANE Select); coding-DNA position 9556, one base deleted (T; older notation c.9556delT).
Protein change: p.Ser3186fs; shifts the reading frame from serine 3186.
Molecular consequence: frameshift variant.
Genome position (GRCh38, 1-based): chr1:215,817,011, A deleted on the plus strand (T on the coding strand, the reverse complement: USH2A is on the minus strand); the first of 2 consecutive A bases (chr1:215,817,011-215,817,012); deleting either gives the same sequence. VCF-style (leftmost placement, unchanged base first): chr1-215817010-GA-G. GRCh37 (hg19) VCF-style: chr1-215990352-GA-G.
Other names: short protein forms S3186fs.
Identifiers: ClinVar variation 2032572 (VCV002032572.5), dbSNP rs758788078, ClinGen allele CA1394295.
Genomic context (GRCh38, chr1:215,817,010, plus strand): 5'-CTTGAGTGAGAAAAACATGGTTCACTGATTAGTTAGAAAAGACTTACCTTAGCTTCAGAA[GA>G]ATAGCAAATGTGTCCACAGATAGATTCAGGTTTTTGACACCTCACTGCCTTGCAGAGCTC-3'

ClinVar aggregate classification (germline): Pathogenic. Review status: criteria provided, multiple submitters, no conflicts (2 of 4 stars). 2 submissions from 2 submitters: Pathogenic (2). Last evaluated 2023-12-12.

Conditions:
USH2A-related disorder. Also called: USH2A-related disorders; USH2A-related condition. Identifiers: MedGen CN239332.

Submissions (2):

Labcorp Genetics (formerly Invitae), Labcorp
Classification: Pathogenic. Last evaluated: 2023-12-12. Review status: criteria provided, single submitter. Criteria: Invitae Variant Classification Sherloc (09022015). Collection method: clinical testing. Allele origin: germline.
Comment: This sequence change creates a premature translational stop signal (p.Ser3186Leufs*31) in the USH2A gene. It is expected to result in an absent or disrupted protein product. Loss-of-function variants in USH2A are known to be pathogenic (PMID: 10729113, 10909849, 20507924, 25649381). This variant is present in population databases (rs758788078, gnomAD 0.03%). This variant has not been reported in the literature in individuals affected with USH2A-related conditions. ClinVar contains an entry for this variant (Variation ID: 2032572). For these reasons, this variant has been classified as Pathogenic.

Blueprint Genetics
Classification: Pathogenic for USH2A-related disorders. Last evaluated: 2021-11-26. Review status: criteria provided, single submitter. Criteria: ACMG Guidelines, 2015. Collection method: clinical testing. Allele origin: germline. Affected: yes. Observed: 5 variant alleles.

Literature cited by the submitters: PubMed 10729113 (cited by Labcorp Genetics (formerly Invitae), Labcorp); PubMed 10909849 (cited by Labcorp Genetics (formerly Invitae), Labcorp); PubMed 20507924 (cited by Labcorp Genetics (formerly Invitae), Labcorp); PubMed 25649381 (cited by Labcorp Genetics (formerly Invitae), Labcorp).